The following is an entry in ClinVar:

ClinVar aggregate classification (germline): Uncertain significance. Review status: criteria provided, single submitter (1 of 4 stars). 2 submissions from 2 submitters: Uncertain significance (1). 1 of the submissions does not count toward it. Last evaluated 2024-01-02.

Conditions:
BTN2A2-related disorder. Also called: BTN2A2-related condition.

Allele frequency attached by ClinVar (database versions not stated): ESP Exome Variant Server 0.00038; 1000 Genomes Project 30x 0.00047; 1000 Genomes Project 0.00060; ExAC 0.00077; TOPMed 0.00085.

Submissions (2):

Ambry Genetics
Classification: Uncertain significance. Last evaluated: 2024-01-02. Review status: criteria provided, single submitter. Criteria: Ambry Variant Classification Scheme 2023. Collection method: clinical testing. Allele origin: germline.

PreventionGenetics, part of Exact Sciences
Classification: Likely benign for BTN2A2-related condition. Last evaluated: 2022-02-11. Review status: no assertion criteria provided. Collection method: clinical testing. Allele origin: germline. Not counted in ClinVar's aggregate classification.
Comment: This variant is classified as likely benign based on ACMG/AMP sequence variant interpretation guidelines (Richards et al. 2015 PMID: 25741868, with internal and published modifications).

NM_006995.5(BTN2A2):c.1176G>T (p.Met392Ile)

Gene: BTN2A2 (butyrophilin subfamily 2 member A2; plus strand). Cytogenetic location: 6p22.2.
Variant type: single nucleotide variant.
Coding change: c.1176G>T on transcript NM_006995.5 (MANE Select); coding-DNA position 1176, G replaced by T.
Protein change: p.Met392Ile; replaces methionine 392 with isoleucine.
Molecular consequence: missense variant. On other transcripts: 3 prime UTR variant (1), intron variant (1).
Genome position (GRCh38, 1-based): chr6:26,392,571, G>T. VCF-style: chr6-26392571-G-T. GRCh37 (hg19) VCF-style: chr6-26392799-G-T.
Other names: c.1176G>T, p.Met392Ile (NM_001197237.2); c.546G>T, p.Met182Ile (NM_001197239.2); c.*276G>T (NM_001197240.2); c.828G>T, p.Met276Ile (NM_181531.3); c.980-1727G>T (NM_001197238.2); short protein forms M182I, M276I, M392I.
Identifiers: ClinVar variation 2383977 (VCV002383977.4), dbSNP rs140196606, ClinGen allele CA3672635.
Genomic context (GRCh38, chr6:26,392,571, plus strand): 5'-GGGATGGGAGAGCTTCGCCTCAGGGAAACATTACTGGGAGGTGGAGGTGGAAAACGTGAT[G>T]GTGTGGACTGTGGGGGTCTGCAGACACAGTGTTGAGAGGAAAGGGGAGGTCCTGCTGATT-3'
Protein context (NP_008926.2, residues 382-402): HYWEVEVENV[Met392Ile]VWTVGVCRHS